The following is an entry in ClinVar:

ClinVar aggregate classification (germline): Uncertain significance. Review status: criteria provided, multiple submitters, no conflicts (2 of 4 stars). 3 submissions from 3 submitters: Uncertain significance (3). Last evaluated 2024-07-30.

Conditions:
Hypertrophic cardiomyopathy 1 (CMH1). Also called: Familial hypertrophic cardiomyopathy 1; MYH7-Related Familial Hypertrophic Cardiomyopathy. Identifiers: MedGen C3495498, MONDO:0008647, OMIM 192600.
Hypertrophic cardiomyopathy. Also called: HYPERTROPHIC MYOCARDIOPATHY. Identifiers: Orphanet 217569, MedGen C0007194, MeSH D002312, MONDO:0005045, HP:0001639.

Submissions (3):

3billion
Classification: Uncertain significance for Hypertrophic cardiomyopathy 1. Last evaluated: 2024-07-30. Review status: criteria provided, single submitter. Criteria: ACMG Guidelines, 2015. Collection method: clinical testing. Allele origin: germline. Affected: yes.
Comment: The variant is observed at an extremely low frequency in the gnomAD v4.0.0 dataset (total allele frequency: <0.001%). The variant is located in a mutational hot spot and/or well-established functional domain in which established pathogenic variants have been reported (PMID: 29300372). In silico tool predictions suggest damaging effect of the variant on gene or gene product [REVEL: 0.66 (>=0.6); 3Cnet: 0.99 (>=0.6)]. Therefore, this variant is classified as Uncertain significance according to the recommendation of ACMG/AMP guideline.

Labcorp Genetics (formerly Invitae), Labcorp
Classification: Uncertain significance for Hypertrophic cardiomyopathy. Last evaluated: 2021-03-09. Review status: criteria provided, single submitter. Criteria: Invitae Variant Classification Sherloc (09022015). Collection method: clinical testing. Allele origin: germline.
Comment: In summary, the available evidence is currently insufficient to determine the role of this variant in disease. Therefore, it has been classified as a Variant of Uncertain Significance. This variant is found within a region of MYH7 between codons 181 and 937 that contains the majority of the myosin head domain. Missense variants in this region have been shown to be significantly overrepresented in individuals with hypertrophic cardiomyopathy (PMID: 27532257). Algorithms developed to predict the effect of sequence changes on RNA splicing suggest that this variant may create or strengthen a splice site, but this prediction has not been confirmed by published transcriptional studies. Algorithms developed to predict the effect of missense changes on protein structure and function are either unavailable or do not agree on the potential impact of this missense change (SIFT: "Deleterious"; PolyPhen-2: "Possibly Damaging"; Align-GVGD: "Class C0"). This variant has not been reported in the literature in individuals with MYH7-related conditions. ClinVar contains an entry for this variant (Variation ID: 636828). This variant is not present in population databases (ExAC no frequency). This sequence change replaces methionine with isoleucine at codon 388 of the MYH7 protein (p.Met388Ile). The methionine residue is highly conserved and there is a small physicochemical difference between methionine and isoleucine.

Blueprint Genetics
Classification: Uncertain significance. Last evaluated: 2018-10-19. Review status: criteria provided, single submitter. Criteria: ACMG Guidelines, 2015. Collection method: clinical testing. Allele origin: germline.

Literature cited by the submitters: PubMed 27532257 (cited by Labcorp Genetics (formerly Invitae), Labcorp).

NM_000257.4(MYH7):c.1164G>A (p.Met388Ile)

Gene: MYH7 (myosin heavy chain 7; minus strand). Cytogenetic location: 14q11.2.
Variant type: single nucleotide variant.
Coding change: c.1164G>A on transcript NM_000257.4 (MANE Select); coding-DNA position 1164, G replaced by A.
Protein change: p.Met388Ile; replaces methionine 388 with isoleucine.
Molecular consequence: missense variant.
Genome position (GRCh38, 1-based): chr14:23,429,322, C>T on the plus strand (G>A on the coding strand, the complement: MYH7 is on the minus strand). VCF-style: chr14-23429322-C-T. GRCh37 (hg19) VCF-style: chr14-23898531-C-T.
Other names: short protein forms M388I.
Identifiers: ClinVar variation 636828 (VCV000636828.12), dbSNP rs1595087168, ClinGen allele CA389051209.